The following is an entry in ClinVar:

ClinVar aggregate classification (germline): Conflicting classifications of pathogenicity. Review status: criteria provided, conflicting classifications (1 of 4 stars). 2 submissions from 2 submitters: Likely pathogenic (1); Uncertain significance (1). Last evaluated 2022-08-16.

Conditions:
RGS9BP-related disorder. Also called: RGS9BP-related condition.

gnomAD v4.1: 2 of 1,551,952 alleles (0.00013%); highest among the groups gnomAD compares: African/African-American, 0.0014%; no homozygotes.

Submissions (2):

Blueprint Genetics
Classification: Likely pathogenic for RGS9BP-related disorders. Last evaluated: 2022-08-16. Review status: criteria provided, single submitter. Criteria: ACMG Guidelines, 2015. Collection method: clinical testing. Allele origin: germline. Affected: yes. Observed: 1 variant allele.

Labcorp Genetics (formerly Invitae), Labcorp
Classification: Uncertain significance. Last evaluated: 2022-07-05. Review status: criteria provided, single submitter. Criteria: Invitae Variant Classification Sherloc (09022015). Collection method: clinical testing. Allele origin: germline.
Comment: This sequence change creates a premature translational stop signal (p.Glu74*) in the RGS9BP gene. While this is not anticipated to result in nonsense mediated decay, it is expected to disrupt the last 162 amino acid(s) of the RGS9BP protein. This variant is not present in population databases (gnomAD no frequency). This variant has not been reported in the literature in individuals affected with RGS9BP-related conditions. Experimental studies and prediction algorithms are not available or were not evaluated, and the functional significance of this variant is currently unknown. In summary, the available evidence is currently insufficient to determine the role of this variant in disease. Therefore, it has been classified as a Variant of Uncertain Significance.

NM_207391.3(RGS9BP):c.220G>T (p.Glu74Ter)

Gene: RGS9BP (regulator of G protein signaling 9 binding protein; plus strand). Cytogenetic location: 19q13.11.
Variant type: single nucleotide variant.
Coding change: c.220G>T on transcript NM_207391.3 (MANE Select); coding-DNA position 220, G replaced by T.
Protein change: p.Glu74Ter; replaces glutamic acid 74 with a stop codon.
Molecular consequence: nonsense.
Genome position (GRCh38, 1-based): chr19:32,676,483, G>T. VCF-style: chr19-32676483-G-T. GRCh37 (hg19) VCF-style: chr19-33167389-G-T.
Other names: short protein forms E74*.
Identifiers: ClinVar variation 1938497 (VCV001938497.3), dbSNP rs529820129, ClinGen allele CA405185925.